The following is an entry in ClinVar:

NM_001384140.1(PCDH15):c.5124G>A (p.Lys1708=)

Gene: PCDH15 (protocadherin related 15; minus strand). Cytogenetic location: 10q21.1.
Variant type: single nucleotide variant.
Coding change: c.5124G>A on transcript NM_001384140.1 (MANE Select); coding-DNA position 5124, G replaced by A.
Protein change: p.Lys1708=; no amino-acid change (lysine 1708 retained).
Molecular consequence: synonymous variant.
Genome position (GRCh38, 1-based): chr10:53,806,678, C>T on the plus strand (G>A on the coding strand, the complement: PCDH15 is on the minus strand). VCF-style: chr10-53806678-C-T. GRCh37 (hg19) VCF-style: chr10-55566438-C-T.
Other names: c.4950G>A, p.Lys1650= (NM_001142771.2); c.4935G>A, p.Lys1645= (NM_001142772.2); c.4929G>A, p.Lys1643= (NM_001354420.2); c.5058G>A, p.Lys1686= (NM_001354429.2).
Identifiers: ClinVar variation 227004 (VCV000227004.11), dbSNP rs74609306, ClinGen allele CA5504504.

ClinVar aggregate classification (germline): Benign. Review status: criteria provided, multiple submitters, no conflicts (2 of 4 stars). 4 submissions from 4 submitters: Benign (4). Last evaluated 2023-11-02.

Allele frequency attached by ClinVar (database versions not stated): 1000 Genomes Project 30x 0.00843; 1000 Genomes Project 0.00859; TOPMed 0.01730; gnomAD exomes 0.01918 and 0.02905; gnomAD 0.01964 and 0.02014; ExAC 0.01966; ESP Exome Variant Server 0.02146.
gnomAD v4.1: 45,179 of 1,613,826 alleles (2.8%); highest among the groups gnomAD compares: Non-Finnish European, 3.4%; 740 homozygotes.

Submissions (4):

ARUP Laboratories, Molecular Genetics and Genomics, ARUP Laboratories
Classification: Benign. Last evaluated: 2023-11-02. Review status: criteria provided, single submitter. Criteria: ARUP Molecular Germline Variant Investigation Process 2024. Collection method: clinical testing. Allele origin: germline.

Athena Diagnostics
Classification: Benign. Last evaluated: 2018-09-12. Review status: criteria provided, single submitter. Criteria: Athena Diagnostics Criteria. Collection method: clinical testing. Allele origin: germline.

Laboratory for Molecular Medicine, Mass General Brigham Personalized Medicine
Classification: Benign. Last evaluated: 2012-05-07. Review status: criteria provided, single submitter. Criteria: LMM Criteria. Collection method: clinical testing. Allele origin: germline. Observed: 35 variant alleles.
Comment: "Lys1650Lys in Exon 37 of PCDH15: This variant is not expected to have clinical significance because it does not alter an amino acid residue, is not located wit hin the splice consensus sequence, and has been identified in 2.8% (154/5446) of European American chromosomes from a broad population by the NHLBI Exome Sequen cing Project (dbSNP rs74609306)."

Breakthrough Genomics
Classification: Benign. Review status: criteria provided, single submitter. Criteria: ACMG Guidelines, 2015. Collection method: not provided. Allele origin: germline. Inheritance: Autosomal recessive inheritance. Affected: yes.